The following is an entry in ClinVar:

NM_001399.5(EDA):c.466C>T (p.Arg156Cys)

Gene: EDA (ectodysplasin A; plus strand). Cytogenetic location: Xq13.1.
Variant type: single nucleotide variant.
Coding change: c.466C>T on transcript NM_001399.5 (MANE Select); coding-DNA position 466, C replaced by T.
Protein change: p.Arg156Cys; replaces arginine 156 with cysteine.
Molecular consequence: missense variant.
Genome position (GRCh38, 1-based): chrX:69,957,096, C>T. VCF-style: chrX-69957096-C-T. GRCh37 (hg19) VCF-style: chrX-69176946-C-T.
Other names: c.466C>T, p.Arg156Cys (NM_001005609.2, NM_001005612.3); short protein forms R156C.
Identifiers: ClinVar variation 11036 (VCV000011036.21), dbSNP rs132630313, ClinGen allele CA255655.

ClinVar aggregate classification (germline): Pathogenic/Likely pathogenic. Review status: criteria provided, multiple submitters, no conflicts (2 of 4 stars). 9 submissions from 9 submitters: Pathogenic (7); Likely pathogenic (1). 1 of the submissions does not count toward it. Last evaluated 2025-08-16.

Conditions:
Hypohidrotic X-linked ectodermal dysplasia (XHED). Also called: ECTODERMAL DYSPLASIA, HYPOHIDROTIC, 1; CST SYNDROME; ECTODERMAL DYSPLASIA 1; Anhidrotic ectodermal dysplasia X-linked; Christ Siemens Touraine syndrome; Christ-Siemans-Touraine syndrome. Identifiers: Orphanet 181, Orphanet 238468, MedGen C0162359, MONDO:0010585, OMIM 305100.
Tooth agenesis, selective, X-linked, 1 (STHAGX1). Also called: HYPODONTIA/OLIGODONTIA, X-LINKED, 1. Identifiers: Orphanet 99798, MedGen C1970757, MONDO:0010741, OMIM 313500. Disease mechanism: loss of function.
EDA-related disorder. Also called: EDA-related condition; EDA-related disorders.

Submissions (9):

Labcorp Genetics (formerly Invitae), Labcorp
Classification: Pathogenic for Hypohidrotic X-linked ectodermal dysplasia. Last evaluated: 2025-08-16. Review status: criteria provided, single submitter. Criteria: Invitae Variant Classification Sherloc (09022015). Collection method: clinical testing. Allele origin: germline.
Comment: This sequence change replaces arginine, which is basic and polar, with cysteine, which is neutral and slightly polar, at codon 156 of the EDA protein (p.Arg156Cys). This variant is not present in population databases (gnomAD no frequency). This missense change has been observed in individual(s) with hypohidrotic or anhidrotic ectodermal dysplasia (PMID: 9683615, 9736768, 11378824, 18231121, 20979233). In at least one individual the variant was observed to be de novo. ClinVar contains an entry for this variant (Variation ID: 11036). Invitae Evidence Modeling of protein sequence and biophysical properties (such as structural, functional, and spatial information, amino acid conservation, physicochemical variation, residue mobility, and thermodynamic stability) has been performed for this missense variant. However, the output from this modeling did not meet the statistical confidence thresholds required to predict the impact of this variant on EDA protein function. Experimental studies have shown that this missense change affects EDA function (PMID: 11279189, 11416205). For these reasons, this variant has been classified as Pathogenic.

GeneDx
Classification: Pathogenic. Last evaluated: 2025-04-30. Review status: criteria provided, single submitter. Criteria: GeneDx Variant Classification Process June 2021. Collection method: clinical testing. Allele origin: germline. Affected: yes.
Comment: Published functional studies demonstrate a damaging effect due by degeneration of a soluble ectodysplasin-A ligand (PMID: 11279189); Not observed at significant frequency in large population cohorts (gnomAD); Missense variants in this gene are a common cause of disease and they are underrepresented in the general population; In silico analysis supports that this missense variant has a deleterious effect on protein structure/function; This variant is associated with the following publications: (PMID: 9736768, 9683615, 34573371, 32713954, 24312213, 11378824, 18510547, 11416205, 11295832, 18231121, 12930312, 22566850, 24715423, 20979233, 27264909, 28993958, 33149276, 33550332, 30117778, 11279189, 34863015, 38129747, 36071541, 38163170)

Natera, Inc.
Classification: Pathogenic for Christ-Siemens-Touraine syndrome. Last evaluated: 2025-02-05. Review status: criteria provided, single submitter. Criteria: Natera Variant Classification Schema (03/2026). Collection method: clinical testing. Allele origin: germline.
Comment: The c.466C>T variant in EDA is a missense variant predicted to cause substitution of arginine to cysteine at amino acid 156. This variant is rare in the general population with a frequency below the threshold expected for the associated phenotype(s). This variant has been observed in affected individual(s) with monoallelic occurrence (heterozygous/hemizygous) (PMID: 36071541, 34863015, 34573371, 32713954, 30974434, 28045201, 24715423, 20236127, 18510547, 12930312, 11378824, 9736768, 9683615). Functional studies show that this variant may disrupt protein function (PMID: 35923710, 11416205, 11279189). A different variant at the same position has been determined to be Pathogenic or Likely Pathogenic. Given the available evidence, this variant is classified as Pathogenic.

3billion
Classification: Pathogenic for Hypohidrotic X-linked ectodermal dysplasia. Last evaluated: 2024-10-24. Review status: criteria provided, single submitter. Criteria: ACMG Guidelines, 2015. Collection method: clinical testing. Allele origin: germline. Affected: yes.
Comment: The variant is not observed in the gnomAD v4.1.0 dataset. Predicted Consequence/Location: Missense variant In silico tool predictions suggest damaging effect of the variant on gene or gene product [3Cnet: 0.95 (>=0.6, sensitivity 0.72 and precision 0.9)]. The same nucleotide change resulting in the same amino acid change has been previously reported as pathogenic/likely pathogenic with strong evidence (ClinVar ID: VCV000011036 /PMID: 12930312, 9683615 /3billion dataset).The variant has been observed in at least two similarly affected unrelated individuals (PMID: 9683615).Different missense changes at the same codon (p.Arg156His, p.Arg156Leu, p.Arg156Ser) have been reported as pathogenic/likely pathogenic with strong evidence (ClinVar ID: VCV000011037, VCV000044194 /PMID: 10951256, 23553579, 9683615 /3billion dataset). Therefore, this variant is classified as Pathogenic according to the recommendation of ACMG/AMP guideline.

Equipe Genetique des Anomalies du Developpement, Université de Bourgogne
Classification: Pathogenic for Hypohidrotic X-linked ectodermal dysplasia. Last evaluated: 2023-06-29. Review status: criteria provided, single submitter. Criteria: ACMG Guidelines, 2015. Collection method: clinical testing. Allele origin: maternal. Affected: yes.

PreventionGenetics, part of Exact Sciences
Classification: Likely pathogenic for EDA-related condition. Last evaluated: 2022-09-09. Review status: criteria provided, single submitter. Criteria: ACMG Guidelines, 2015. Collection method: clinical testing. Allele origin: germline.
Comment: The EDA c.466C>T variant is predicted to result in the amino acid substitution p.Arg156Cys. This variant has been reported to be causative for X-linked hypohidrotic ectodermal dysplasia (Bayés et al. 1998. PubMed ID: 9736768; Monreal et al. 1998. PubMed ID: 9683615). In addition, other missense variants affecting the same amino acid have been reported in individuals with ectodermal dysplasia (Clauss et al. 2010. PubMed ID: 20236127; Aoki et al. 2000. PubMed ID: 10951256). This variant has not been reported in a large population database, indicating this variant is rare. This variant is interpreted as likely pathogenic.

Blueprint Genetics
Classification: Pathogenic for EDA-related disorders. Last evaluated: 2022-05-05. Review status: criteria provided, single submitter. Criteria: ACMG Guidelines, 2015. Collection method: clinical testing. Allele origin: germline. Affected: yes. Observed: 2 variant alleles.

Juno Genomics, Hangzhou Juno Genomics, Inc
Classification: Pathogenic for Tooth agenesis, selective, X-linked, 1; Hypohidrotic X-linked ectodermal dysplasia. Review status: criteria provided, single submitter. Criteria: ACMG Guidelines, 2015. Collection method: clinical testing. Allele origin: germline. Affected: yes.
Comment: Absent from controls (or at extremely low frequency if recessive) in Genome Aggregation Database.;Novel missense change at an amino acid residue where a different missense change determined to be pathogenic has been seen before.;Well-established in vitro or in vivo functional studies supportive of a damaging effect on the gene or gene product.;The prevalence of the variant in affected individuals is significantly increased compared to the prevalence in controls.;Patient's phenotype or family history is highly specific for a disease with a single genetic etiology.;Assumed de novo, but without confirmation of paternity and maternity.

OMIM
Classification: Pathogenic for ECTODERMAL DYSPLASIA 1, HYPOHIDROTIC/HAIR/TOOTH TYPE, X-LINKED. Last evaluated: 1998-08-01. Review status: no assertion criteria provided. Collection method: literature only. Allele origin: germline. Not counted in ClinVar's aggregate classification.

Literature cited by the submitters: PubMed 9683615 (cited by 4 submitters); PubMed 9736768 (cited by Labcorp Genetics (formerly Invitae), Labcorp and Natera, Inc.); PubMed 11378824 (cited by Labcorp Genetics (formerly Invitae), Labcorp and Natera, Inc.); PubMed 18231121 (cited by Labcorp Genetics (formerly Invitae), Labcorp); PubMed 20979233 (cited by Labcorp Genetics (formerly Invitae), Labcorp); PubMed 11279189 (cited by Labcorp Genetics (formerly Invitae), Labcorp and Natera, Inc.); PubMed 11416205 (cited by Labcorp Genetics (formerly Invitae), Labcorp and Natera, Inc.); PubMed 36071541 (cited by Natera, Inc.); PubMed 34863015 (cited by Natera, Inc.); PubMed 34573371 (cited by Natera, Inc.); PubMed 32713954 (cited by Natera, Inc.); PubMed 30974434 (cited by Natera, Inc.); PubMed 28045201 (cited by Natera, Inc.); PubMed 24715423 (cited by Natera, Inc.); PubMed 20236127 (cited by Natera, Inc.); PubMed 18510547 (cited by Natera, Inc.); PubMed 12930312 (cited by Natera, Inc. and 3billion); PubMed 35923710 (cited by Natera, Inc.); PubMed 10951256 (cited by 3billion).